The following is an entry in ClinVar:

ClinVar aggregate classification (germline): Uncertain significance. Review status: criteria provided, multiple submitters, no conflicts (2 of 4 stars). 2 submissions from 2 submitters: Uncertain significance (2). Last evaluated 2022-11-01.

Allele frequency attached by ClinVar (database versions not stated): ExAC 0.00002; TOPMed 0.00003; gnomAD 0.00005; ESP Exome Variant Server 0.00008; gnomAD exomes 0.00024.
gnomAD v4.1: 318 of 1,493,776 alleles (0.021%); highest among the groups gnomAD compares: Non-Finnish European, 0.028%; no homozygotes.

Submissions (2):

Ambry Genetics
Classification: Uncertain significance. Last evaluated: 2022-11-01. Review status: criteria provided, single submitter. Criteria: Ambry Variant Classification Scheme 2023. Collection method: clinical testing. Allele origin: germline.

Labcorp Genetics (formerly Invitae), Labcorp
Classification: Uncertain significance. Last evaluated: 2022-05-07. Review status: criteria provided, single submitter. Criteria: Invitae Variant Classification Sherloc (09022015). Collection method: clinical testing. Allele origin: germline.
Comment: This sequence change replaces proline, which is neutral and non-polar, with arginine, which is basic and polar, at codon 539 of the LRRC56 protein (p.Pro539Arg). This variant is present in population databases (rs143414567, gnomAD 0.005%). This variant has not been reported in the literature in individuals affected with LRRC56-related conditions. Algorithms developed to predict the effect of missense changes on protein structure and function output the following: SIFT: "Deleterious"; PolyPhen-2: "Benign"; Align-GVGD: "Class C0". The arginine amino acid residue is found in multiple mammalian species, which suggests that this missense change does not adversely affect protein function. In summary, the available evidence is currently insufficient to determine the role of this variant in disease. Therefore, it has been classified as a Variant of Uncertain Significance.

NM_198075.4(LRRC56):c.1616C>G (p.Pro539Arg)

Gene: LRRC56 (leucine rich repeat containing 56; plus strand). Cytogenetic location: 11p15.5.
Variant type: single nucleotide variant.
Coding change: c.1616C>G on transcript NM_198075.4 (MANE Select); coding-DNA position 1616, C replaced by G.
Protein change: p.Pro539Arg; replaces proline 539 with arginine.
Molecular consequence: missense variant.
Genome position (GRCh38, 1-based): chr11:554,263, C>G. VCF-style: chr11-554263-C-G. GRCh37 (hg19) VCF-style: chr11-554263-C-G.
Other names: short protein forms P539R.
Identifiers: ClinVar variation 1982113 (VCV001982113.2), dbSNP rs143414567, ClinGen allele CA5780158.